The following is an entry in ClinVar:

ClinVar aggregate classification (germline): Uncertain significance (1 of 4 stars; one submission).

Conditions:
Inborn genetic diseases. Identifiers: MedGen C0950123, MeSH D030342.

Allele frequency attached by ClinVar (database versions not stated): gnomAD exomes below 0.00001.
gnomAD v4.1: 3 of 1,614,150 alleles (0.00019%); highest among the groups gnomAD compares: Non-Finnish European, 0.00025%; no homozygotes.

Submission:

Ambry Genetics
Classification: Uncertain significance for Inborn genetic diseases. Last evaluated: 2023-03-29. Review status: criteria provided, single submitter. Criteria: Ambry Variant Classification Scheme 2023. Collection method: clinical testing. Allele origin: germline.
Comment: The p.H601Y variant (also known as c.1801C>T), located in coding exon 12 of the EPAS1 gene, results from a C to T substitution at nucleotide position 1801. The histidine at codon 601 is replaced by tyrosine, an amino acid with similar properties. This amino acid position is conserved. In addition, this alteration is predicted to be tolerated by in silico analysis. Since supporting evidence is limited at this time, the clinical significance of this alteration remains unclear.

NM_001430.5(EPAS1):c.1801C>T (p.His601Tyr)

Gene: EPAS1 (endothelial PAS domain protein 1; plus strand). Cytogenetic location: 2p21.
Variant type: single nucleotide variant.
Coding change: c.1801C>T on transcript NM_001430.5 (MANE Select); coding-DNA position 1801, C replaced by T.
Protein change: p.His601Tyr; replaces histidine 601 with tyrosine.
Molecular consequence: missense variant.
Genome position (GRCh38, 1-based): chr2:46,380,473, C>T. VCF-style: chr2-46380473-C-T. GRCh37 (hg19) VCF-style: chr2-46607612-C-T.
Other names: short protein forms H601Y.
Identifiers: ClinVar variation 2565046 (VCV002565046.2), dbSNP rs2103672947, ClinGen allele CA346704915.
Genomic context (GRCh38, chr2:46,380,473, plus strand): 5'-AGTCCCTTCCTCCTGGACAAGTTTCAGCAGCAGCTGGAGAGCAAGAAGACAGAGCCCGAG[C>T]ACCGGCCCATGTCCTCCATCTTCTTTGATGCCGGAAGCAAAGCATCCCTGCCACCGTGCT-3'
Protein context (NP_001421.2, residues 591-611): QLESKKTEPE[His601Tyr]RPMSSIFFDA